The following is an entry in ClinVar:

ClinVar aggregate classification (germline): Uncertain significance (1 of 4 stars; one submission).

Conditions:
Episodic ataxia type 1 (EA1). Also called: ATAXIA, EPISODIC, WITH MYOKYMIA; MYOKYMIA WITH PERIODIC ATAXIA; PAROXYSMAL ATAXIA WITH NEUROMYOTONIA, HEREDITARY; Episodic ataxia/myokymia syndrome. Identifiers: Orphanet 37612, Orphanet 972, MedGen C1719788, MONDO:0008047, OMIM 160120.

Allele frequency attached by ClinVar (database versions not stated): gnomAD exomes below 0.00001; TOPMed 0.00001.
gnomAD v4.1: 2 of 1,613,664 alleles (0.00012%); highest among the groups gnomAD compares: Non-Finnish European, 0.00017%; no homozygotes.

Submission:

Labcorp Genetics (formerly Invitae), Labcorp
Classification: Uncertain significance for Episodic ataxia type 1. Last evaluated: 2025-10-06. Review status: criteria provided, single submitter. Criteria: Invitae Variant Classification Sherloc (09022015). Collection method: clinical testing. Allele origin: germline.
Comment: This sequence change replaces methionine, which is neutral and non-polar, with lysine, which is basic and polar, at codon 455 of the KCNA1 protein (p.Met455Lys). This variant is not present in population databases (gnomAD no frequency). This variant has not been reported in the literature in individuals affected with KCNA1-related conditions. ClinVar contains an entry for this variant (Variation ID: 309147). Invitae Evidence Modeling of protein sequence and biophysical properties (such as structural, functional, and spatial information, amino acid conservation, physicochemical variation, residue mobility, and thermodynamic stability) indicates that this missense variant is not expected to disrupt KCNA1 protein function with a negative predictive value of 80%. In summary, the available evidence is currently insufficient to determine the role of this variant in disease. Therefore, it has been classified as a Variant of Uncertain Significance.

NM_000217.3(KCNA1):c.1364T>A (p.Met455Lys)

Gene: KCNA1 (potassium voltage-gated channel subfamily A member 1; plus strand). Cytogenetic location: 12p13.32.
Variant type: single nucleotide variant.
Coding change: c.1364T>A on transcript NM_000217.3 (MANE Select); coding-DNA position 1364, T replaced by A.
Protein change: p.Met455Lys; replaces methionine 455 with lysine.
Molecular consequence: missense variant.
Genome position (GRCh38, 1-based): chr12:4,912,742, T>A. VCF-style: chr12-4912742-T-A. GRCh37 (hg19) VCF-style: chr12-5021908-T-A.
Other names: short protein forms M455K.
Identifiers: ClinVar variation 309147 (VCV000309147.9), dbSNP rs886049512, ClinGen allele CA10641544.